The following is an entry in ClinVar:

ClinVar aggregate classification (germline): Uncertain significance. Review status: criteria provided, multiple submitters, no conflicts (2 of 4 stars). 2 submissions from 2 submitters: Uncertain significance (2). Last evaluated 2025-04-03.

Conditions:
Multiple acyl-CoA dehydrogenase deficiency (MADD). Also called: Glutaric aciduria, type 2; Glutaric acidemia type II; GA 2; Glutaric Acidemia type 2; ETHYLMALONIC-ADIPICACIDURIA; GA II. Identifiers: Orphanet 26791, MedGen C0268596, MONDO:0009282, OMIM 231680.
Inborn genetic diseases. Identifiers: MedGen C0950123, MeSH D030342.

gnomAD v4.1: 1 of 1,580,002 alleles (0.000063%); highest among the groups gnomAD compares: Admixed American, 0.0017%; no homozygotes.

Submissions (2):

Ambry Genetics
Classification: Uncertain significance for Inborn genetic diseases. Last evaluated: 2025-04-03. Review status: criteria provided, single submitter. Criteria: Ambry Variant Classification Scheme 2023. Collection method: clinical testing. Allele origin: germline.

Labcorp Genetics (formerly Invitae), Labcorp
Classification: Uncertain significance for Multiple acyl-CoA dehydrogenase deficiency. Last evaluated: 2022-09-15. Review status: criteria provided, single submitter. Criteria: Invitae Variant Classification Sherloc (09022015). Collection method: clinical testing. Allele origin: germline.
Comment: This sequence change replaces glutamic acid, which is acidic and polar, with glutamine, which is neutral and polar, at codon 152 of the ETFDH protein (p.Glu152Gln). This variant is not present in population databases (gnomAD no frequency). This variant has not been reported in the literature in individuals affected with ETFDH-related conditions. ClinVar contains an entry for this variant (Variation ID: 1405976). Advanced modeling of protein sequence and biophysical properties (such as structural, functional, and spatial information, amino acid conservation, physicochemical variation, residue mobility, and thermodynamic stability) performed at Invitae indicates that this missense variant is not expected to disrupt ETFDH protein function. In summary, the available evidence is currently insufficient to determine the role of this variant in disease. Therefore, it has been classified as a Variant of Uncertain Significance.

NM_004453.4(ETFDH):c.454G>C (p.Glu152Gln)

Gene: ETFDH (electron transfer flavoprotein dehydrogenase; plus strand). Cytogenetic location: 4q32.1.
Variant type: single nucleotide variant.
Coding change: c.454G>C on transcript NM_004453.4 (MANE Select); coding-DNA position 454, G replaced by C.
Protein change: p.Glu152Gln; replaces glutamic acid 152 with glutamine.
Molecular consequence: missense variant.
Genome position (GRCh38, 1-based): chr4:158,684,640, G>C. VCF-style: chr4-158684640-G-C. GRCh37 (hg19) VCF-style: chr4-159605792-G-C.
Other names: c.454G>C (NM_004453.2); c.313G>C, p.Glu105Gln (NM_001281737.2); c.271G>C, p.Glu91Gln (NM_001281738.1); short protein forms E105Q, E152Q, E91Q.
Identifiers: ClinVar variation 1405976 (VCV001405976.6), dbSNP rs2150306318, ClinGen allele CA358575084.